The following is an entry in ClinVar:

ClinVar aggregate classification (germline): Uncertain significance (1 of 4 stars; one submission).

Submission:

Labcorp Genetics (formerly Invitae), Labcorp
Classification: Uncertain significance. Last evaluated: 2025-09-08. Review status: criteria provided, single submitter. Criteria: Invitae Variant Classification Sherloc (09022015). Collection method: clinical testing. Allele origin: germline.
Comment: This variant, c.270_272del, results in the deletion of 1 amino acid(s) of the ARHGEF18 protein (p.Phe90del), but otherwise preserves the integrity of the reading frame. This variant is not present in population databases (gnomAD no frequency). This variant has not been reported in the literature in individuals affected with ARHGEF18-related conditions. Experimental studies and prediction algorithms are not available or were not evaluated, and the functional significance of this variant is currently unknown. In summary, the available evidence is currently insufficient to determine the role of this variant in disease. Therefore, it has been classified as a Variant of Uncertain Significance.

NM_001367823.1(ARHGEF18):c.968-134_968-132del

Gene: ARHGEF18 (Rho/Rac guanine nucleotide exchange factor 18; plus strand). Cytogenetic location: 19p13.2.
Variant type: Microsatellite.
Coding change: c.968-134_968-132del on transcript NM_001367823.1 (MANE Select); 134 bases into the intron before coding-DNA position 968 through 132 bases into the intron before coding-DNA position 968, 3 bases deleted (CTT; older notation c.968-134_968-132delCTT).
Molecular consequence: intron variant. On other transcripts: inframe deletion (1), 5 prime UTR variant (1).
Genome position (GRCh38, 1-based): chr19:7,440,210-7,440,212, CTT deleted; deleting any 3 consecutive bases within chr19:7,440,206-7,440,212 gives the same sequence; the c. name uses the placement nearest the transcript's 3' end. VCF-style (leftmost placement, unchanged base first): chr19-7440205-GTCT-G. GRCh37 (hg19) VCF-style: chr19-7505091-GTCT-G.
Other names: c.105CTT[1], p.Phe36del (NM_001130955.2); c.-208CTT[1] (NM_001367824.1); c.-71-134_-71-132del (NM_015318.4); short protein forms F36del.
Identifiers: ClinVar variation 1023334 (VCV001023334.8), dbSNP rs1555720850, ClinGen allele CA403094389.